The following is an entry in ClinVar:

ClinVar aggregate classification (germline): Likely benign (1 of 4 stars; one submission).

Allele frequency attached by ClinVar (database versions not stated): gnomAD 0.00001; TOPMed 0.00002; 1000 Genomes Project 30x 0.00031.

Submission:

GeneDx
Classification: Likely benign. Last evaluated: 2017-05-24. Review status: criteria provided, single submitter. Criteria: GeneDx Variant Classification (06012015). Collection method: clinical testing. Allele origin: germline. Affected: yes.
Comment: This variant is considered likely benign or benign based on one or more of the following criteria: it is a conservative change, it occurs at a poorly conserved position in the protein, it is predicted to be benign by multiple in silico algorithms, and/or has population frequency not consistent with disease.

NM_024301.5(FKRP):c.-197C>T

Gene: FKRP (fukutin related protein; plus strand). Cytogenetic location: 19q13.32.
Variant type: single nucleotide variant.
Coding change: c.-197C>T on transcript NM_024301.5 (MANE Select); 197 bases upstream of the start codon, C replaced by T.
Molecular consequence: 5 prime UTR variant.
Genome position (GRCh38, 1-based): chr19:46,748,082, C>T. VCF-style: chr19-46748082-C-T. GRCh37 (hg19) VCF-style: chr19-47251339-C-T.
Other names: c.-249C>T (NM_001039885.3).
Identifiers: ClinVar variation 509741 (VCV000509741.1), dbSNP rs941872245, ClinGen allele CA309094359.